The following is an entry in ClinVar:

NM_001290060.2(SEMA3B):c.152G>C (p.Arg51Pro)

Gene: SEMA3B (semaphorin 3B; plus strand). Cytogenetic location: 3p21.31.
Variant type: single nucleotide variant.
Coding change: c.152G>C on transcript NM_001290060.2 (MANE Select); coding-DNA position 152, G replaced by C.
Protein change: p.Arg51Pro; replaces arginine 51 with proline.
Molecular consequence: missense variant.
Genome position (GRCh38, 1-based): chr3:50,270,169, G>C. VCF-style: chr3-50270169-G-C. GRCh37 (hg19) VCF-style: chr3-50307600-G-C.
Other names: c.152G>C, p.Arg51Pro (NM_001005914.3, NM_001290061.1, NM_001435956.1 and 3 more transcripts); short protein forms R51P.
Identifiers: ClinVar variation 5001707 (VCV005001707.1).

ClinVar aggregate classification (germline): Uncertain significance (1 of 4 stars; one submission).

Conditions:
SEMA3B-related disorder. Also called: SEMA3B-related condition.

Submission:

PreventionGenetics, part of Exact Sciences
Classification: Uncertain significance for SEMA3B-related condition. Last evaluated: 2025-01-15. Review status: criteria provided, single submitter. Criteria: ACMG Guidelines, 2015. Collection method: clinical testing. Allele origin: germline.
Comment: The SEMA3B c.152G>C variant is predicted to result in the amino acid substitution p.Arg51Pro. To our knowledge, this variant has not been reported in the literature or in a large population database (gnomAD), indicating this variant is rare. At this time, the clinical significance of this variant is uncertain due to the absence of conclusive functional and genetic evidence.